The following is an entry in ClinVar:

NM_182961.4(SYNE1):c.19692+298T>C

Gene: SYNE1 (spectrin repeat containing nuclear envelope protein 1; minus strand). Cytogenetic location: 6q25.2.
Variant type: single nucleotide variant.
Coding change: c.19692+298T>C on transcript NM_182961.4 (MANE Select); 298 bases into the intron after coding-DNA position 19692, T replaced by C.
Molecular consequence: intron variant.
Genome position (GRCh38, 1-based): chr6:152,244,239, A>G on the plus strand (T>C on the coding strand, the complement: SYNE1 is on the minus strand). VCF-style: chr6-152244239-A-G. GRCh37 (hg19) VCF-style: chr6-152565374-A-G.
Other names: c.19479+298T>C (NM_033071.5).
Identifiers: ClinVar variation 671797 (VCV000671797.1), dbSNP rs3843915, ClinGen allele CA150197587.

ClinVar aggregate classification (germline): Benign (1 of 4 stars; one submission).

Allele frequency attached by ClinVar (database versions not stated): gnomAD 0.07837 and 0.07627; TOPMed 0.08378; 1000 Genomes Project 30x 0.09088; 1000 Genomes Project 0.09265.
gnomAD v4.1: 11,906 of 152,252 alleles (7.8%); highest among the groups gnomAD compares: East Asian, 13%; 588 homozygotes.

Submission:

GeneDx
Classification: Benign. Last evaluated: 2018-06-19. Review status: criteria provided, single submitter. Criteria: GeneDx Variant Classification (06012015). Collection method: clinical testing. Allele origin: germline. Affected: yes.
Comment: This variant is considered likely benign or benign based on one or more of the following criteria: it is a conservative change, it occurs at a poorly conserved position in the protein, it is predicted to be benign by multiple in silico algorithms, and/or has population frequency not consistent with disease.